The following is an entry in ClinVar:

ClinVar aggregate classification (germline): Uncertain significance (1 of 4 stars; one submission).

Conditions:
Severe combined immunodeficiency due to DCLRE1C deficiency (RS-SCID). Also called: SCID, AUTOSOMAL RECESSIVE, T CELL-NEGATIVE, B CELL-NEGATIVE, NK CELL-POSITIVE, WITH SENSITIVITY TO IONIZING RADIATION. Identifiers: Orphanet 275, MedGen C1865371, MONDO:0011225, OMIM 602450.

Allele frequency attached by ClinVar (database versions not stated): gnomAD 0.00001.
gnomAD v4.1: 1 of 1,613,382 alleles (0.000062%); highest among the groups gnomAD compares: Admixed American, 0.0017%; no homozygotes.

Submission:

Labcorp Genetics (formerly Invitae), Labcorp
Classification: Uncertain significance for Athabaskan severe combined immunodeficiency. Last evaluated: 2021-09-01. Review status: criteria provided, single submitter. Criteria: Invitae Variant Classification Sherloc (09022015). Collection method: clinical testing. Allele origin: germline.
Comment: This sequence change replaces alanine with valine at codon 314 of the DCLRE1C protein (p.Ala314Val). The alanine residue is highly conserved and there is a small physicochemical difference between alanine and valine. This variant is not present in population databases (ExAC no frequency). This variant has not been reported in the literature in individuals affected with DCLRE1C-related conditions. Algorithms developed to predict the effect of missense changes on protein structure and function (SIFT, PolyPhen-2, Align-GVGD) all suggest that this variant is likely to be tolerated. In summary, the available evidence is currently insufficient to determine the role of this variant in disease. Therefore, it has been classified as a Variant of Uncertain Significance.

NM_001033855.3(DCLRE1C):c.941C>T (p.Ala314Val)

Gene: DCLRE1C (DNA cross-link repair 1C; minus strand). Cytogenetic location: 10p13.
Variant type: single nucleotide variant.
Coding change: c.941C>T on transcript NM_001033855.3 (MANE Select); coding-DNA position 941, C replaced by T.
Protein change: p.Ala314Val; replaces alanine 314 with valine.
Molecular consequence: missense variant. On other transcripts: non-coding transcript variant (3).
Genome position (GRCh38, 1-based): chr10:14,926,874, G>A on the plus strand (C>T on the coding strand, the complement: DCLRE1C is on the minus strand). VCF-style: chr10-14926874-G-A. GRCh37 (hg19) VCF-style: chr10-14968873-G-A.
Other names: c.581C>T, p.Ala194Val (NM_001033857.3, NM_001033858.3, NM_001289077.2 and 2 more transcripts); c.596C>T, p.Ala199Val (NM_001289076.2, NM_001289078.2, NM_001350966.2 and 1 more transcripts); c.941C>T, p.Ala314Val (NM_001350965.2); short protein forms A314V, A199V, A194V.
Identifiers: ClinVar variation 841634 (VCV000841634.7), dbSNP rs1838083133, ClinGen allele CA376055745.